The following is an entry in ClinVar:

ClinVar aggregate classification (germline): Uncertain significance (1 of 4 stars; one submission).

Allele frequency attached by ClinVar (database versions not stated): TOPMed 0.00001.

Submission:

GeneDx
Classification: Uncertain significance. Last evaluated: 2022-05-11. Review status: criteria provided, single submitter. Criteria: GeneDx Variant Classification Process June 2021. Collection method: clinical testing. Allele origin: germline. Affected: yes.
Comment: Not observed at significant frequency in large population cohorts (gnomAD); In silico analysis supports that this missense variant does not alter protein structure/function; Has not been previously published as pathogenic or benign to our knowledge

NM_006383.4(CIB2):c.121C>T (p.Leu41Phe)

Gene: CIB2 (calcium and integrin binding family member 2; minus strand). Cytogenetic location: 15q25.1.
Variant type: single nucleotide variant.
Coding change: c.121C>T on transcript NM_006383.4 (MANE Select); coding-DNA position 121, C replaced by T.
Protein change: p.Leu41Phe; replaces leucine 41 with phenylalanine.
Molecular consequence: missense variant. On other transcripts: 5 prime UTR variant (1), intron variant (2).
Genome position (GRCh38, 1-based): chr15:78,111,242, G>A on the plus strand (C>T on the coding strand, the complement: CIB2 is on the minus strand). VCF-style: chr15-78111242-G-A. GRCh37 (hg19) VCF-style: chr15-78403584-G-A.
Other names: c.-9C>T (NM_001271888.2); c.52-1860C>T (NM_001271889.2); c.87-1733C>T (NM_001301224.2); short protein forms L41F.
Identifiers: ClinVar variation 1723750 (VCV001723750.2), dbSNP rs1205081457, ClinGen allele CA393547994.